The following is an entry in ClinVar:

ClinVar aggregate classification (germline): Uncertain significance (1 of 4 stars; one submission).

Submission:

Labcorp Genetics (formerly Invitae), Labcorp
Classification: Uncertain significance. Last evaluated: 2023-09-05. Review status: criteria provided, single submitter. Criteria: Invitae Variant Classification Sherloc (09022015). Collection method: clinical testing. Allele origin: germline.
Comment: This sequence change falls in intron 4 of the ERCC3 gene. It does not directly change the encoded amino acid sequence of the ERCC3 protein. It affects a nucleotide within the consensus splice site. This variant is present in population databases (no rsID available, gnomAD 0.0009%). This variant has not been reported in the literature in individuals affected with ERCC3-related conditions. Variants that disrupt the consensus splice site are a relatively common cause of aberrant splicing (PMID: 17576681, 9536098). Algorithms developed to predict the effect of sequence changes on RNA splicing suggest that this variant may disrupt the consensus splice site. In summary, the available evidence is currently insufficient to determine the role of this variant in disease. Therefore, it has been classified as a Variant of Uncertain Significance.

Literature cited by the submitters: PubMed 17576681; PubMed 9536098.

NM_000122.2(ERCC3):c.522-3C>G

Gene: ERCC3 (ERCC excision repair 3, TFIIH core complex helicase subunit; minus strand). Cytogenetic location: 2q14.3.
Variant type: single nucleotide variant.
Coding change: c.522-3C>G on transcript NM_000122.2 (MANE Select); 3 bases into the intron before coding-DNA position 522, C replaced by G.
Molecular consequence: intron variant.
Genome position (GRCh38, 1-based): chr2:127,289,827, G>C on the plus strand (C>G on the coding strand, the complement: ERCC3 is on the minus strand). VCF-style: chr2-127289827-G-C. GRCh37 (hg19) VCF-style: chr2-128047403-G-C.
Other names: c.330-3C>G (NM_001303416.2, NM_001303418.2).
Identifiers: ClinVar variation 2842263 (VCV002842263.3), dbSNP rs1466411572, ClinGen allele CA535638440.